The following is an entry in ClinVar:

NM_000388.4(CASR):c.2626_2633del (p.Thr876fs)

Gene: CASR (calcium sensing receptor; plus strand). Cytogenetic location: 3q21.1.
Variant type: Deletion.
Coding change: c.2626_2633del on transcript NM_000388.4 (MANE Select); coding-DNA positions 2626 to 2633, 8 bases deleted (ACCGCAGC; older notation c.2626_2633delACCGCAGC).
Protein change: p.Thr876fs; shifts the reading frame from threonine 876.
Molecular consequence: frameshift variant.
Genome position (GRCh38, 1-based): chr3:122,284,580-122,284,587, ACCGCAGC deleted; deleting any 8 consecutive bases within chr3:122,284,575-122,284,587 gives the same sequence; the c. name uses the placement nearest the transcript's 3' end. VCF-style (leftmost placement, unchanged base first): chr3-122284574-TGCAGCACC-T. GRCh37 (hg19) VCF-style: chr3-122003421-TGCAGCACC-T.
Other names: c.2656_2663del, p.Thr886fs (NM_001178065.2); short protein forms T876fs, T886fs.
Identifiers: ClinVar variation 1988969 (VCV001988969.4), dbSNP rs2473281044, ClinGen allele CA2580068664.
Genomic context (GRCh38, chr3:122,284,574, plus strand): 5'-TTCAACAAGATCTACATCATTCTCTTCAAGCCATCCCGCAACACCATCGAGGAGGTGCGT[TGCAGCACC>T]GCAGCTCACGCTTTCAAGGTGGCTGCCCGGGCCACGCTGCGCCGCAGCAACGTCTCCCGC-3'

ClinVar aggregate classification (germline): Pathogenic (1 of 4 stars; one submission).

Conditions:
Autosomal dominant hypocalcemia 1 (HYPOC1). Also called: HYPOCALCEMIA, FAMILIAL. Identifiers: MedGen C3715128, MONDO:0011013, OMIM 601198.
Familial hypocalciuric hypercalcemia (FHH). Also called: Familial benign hypercalcemia. Identifiers: Orphanet 405, MedGen C1809471, MONDO:0018458.

Submission:

Labcorp Genetics (formerly Invitae), Labcorp
Classification: Pathogenic for Familial hypocalciuric hypercalcemia; Autosomal dominant hypocalcemia 1. Last evaluated: 2024-04-16. Review status: criteria provided, single submitter. Criteria: Invitae Variant Classification Sherloc (09022015). Collection method: clinical testing. Allele origin: germline.
Comment: This sequence change creates a premature translational stop signal (p.Thr876Serfs*102) in the CASR gene. While this is not anticipated to result in nonsense mediated decay, it is expected to disrupt the last 203 amino acid(s) of the CASR protein. This variant is not present in population databases (gnomAD no frequency). This variant has not been reported in the literature in individuals affected with CASR-related conditions. ClinVar contains an entry for this variant (Variation ID: 1988969). This variant disrupts a region of the CASR protein in which other variant(s) (p.Arg886Pro) have been determined to be pathogenic (PMID: 11807402, 20798521). This suggests that this is a clinically significant region of the protein, and that variants that disrupt it are likely to be disease-causing. For these reasons, this variant has been classified as Pathogenic.

Literature cited by the submitters: PubMed 11807402; PubMed 20798521.